The following is an entry in ClinVar:

NM_001166108.2(PALLD):c.*110G>C

Genes: CBR4 (carbonyl reductase 4; minus strand), PALLD (palladin, cytoskeletal associated protein; plus strand). Cytogenetic location: 4q32.3.
Variant type: single nucleotide variant.
Coding change: c.*110G>C on transcript NM_001166108.2 (MANE Select); 110 bases downstream of the stop codon, G replaced by C.
Molecular consequence: 3 prime UTR variant. On other transcripts: missense variant (4).
Genome position (GRCh38, 1-based): chr4:168,926,290, G>C. VCF-style: chr4-168926290-G-C. GRCh37 (hg19) VCF-style: chr4-169847441-G-C.
Other names: c.2239G>C, p.Asp747His (NM_001166109.2); c.1924G>C, p.Asp642His (NM_001166110.2); c.*110G>C (NM_001367567.1, NM_001367570.1, NM_016081.4); c.1315G>C, p.Asp439His (NM_001367568.1); c.1264G>C, p.Asp422His (NM_001367569.1); short protein forms D747H, D642H, D422H, D439H.
Identifiers: ClinVar variation 938419 (VCV000938419.11), dbSNP rs577454433, ClinGen allele CA109864683.
Genomic context (GRCh38, chr4:168,926,290, plus strand): 5'-TCACAGAGCACCAAGCCAAAAAAAGTACGGCCCTCAGCCAGTCGCTATGCAGCACTTTCG[G>C]ACCAGGGACTAGACATCAAAGCAGCGTTCCAACCTGAGGCCAACCCATCTCACCTGACAC-3'

ClinVar aggregate classification (germline): Uncertain significance. Review status: criteria provided, multiple submitters, no conflicts (2 of 4 stars). 2 submissions from 2 submitters: Uncertain significance (2). Last evaluated 2024-10-05.

Conditions:
Pancreatic adenocarcinoma. Identifiers: MedGen C0281361, MONDO:0006047, HP:0006725.

Allele frequency attached by ClinVar (database versions not stated): gnomAD 0.00001; TOPMed 0.00001; gnomAD exomes 0.00005; 1000 Genomes Project 30x 0.00016; 1000 Genomes Project 0.00020.
gnomAD v4.1: 69 of 1,537,120 alleles (0.0045%); highest among the groups gnomAD compares: Non-Finnish European, 0.0059%; no homozygotes.

Submissions (2):

Ambry Genetics
Classification: Uncertain significance. Last evaluated: 2024-10-05. Review status: criteria provided, single submitter. Criteria: Ambry Variant Classification Scheme 2023. Collection method: clinical testing. Allele origin: germline.
Comment: The p.D642H variant (also known as c.1924G>C), located in coding exon 11 of the PALLD gene, results from a G to C substitution at nucleotide position 1924. The aspartic acid at codon 642 is replaced by histidine, an amino acid with similar properties. This amino acid position is conserved. In addition, the in silico prediction for this alteration is inconclusive. Based on the available evidence, the clinical significance of this variant remains unclear.

Labcorp Genetics (formerly Invitae), Labcorp
Classification: Uncertain significance for Pancreatic adenocarcinoma. Last evaluated: 2024-04-13. Review status: criteria provided, single submitter. Criteria: Invitae Variant Classification Sherloc (09022015). Collection method: clinical testing. Allele origin: germline.
Comment: This sequence change replaces aspartic acid, which is acidic and polar, with histidine, which is basic and polar, at codon 642 of the PALLD protein (p.Asp642His). This variant is present in population databases (rs577454433, gnomAD 0.007%). This variant has not been reported in the literature in individuals affected with PALLD-related conditions. ClinVar contains an entry for this variant (Variation ID: 938419). An algorithm developed to predict the effect of missense changes on protein structure and function (PolyPhen-2) suggests that this variant is likely to be tolerated. In summary, the available evidence is currently insufficient to determine the role of this variant in disease. Therefore, it has been classified as a Variant of Uncertain Significance.